The following is an entry in ClinVar:

NM_001363711.2(DUOX2):c.4183A>G (p.Ile1395Val)

Gene: DUOX2 (dual oxidase 2; minus strand). Cytogenetic location: 15q21.1.
Variant type: single nucleotide variant.
Coding change: c.4183A>G on transcript NM_001363711.2 (MANE Select); coding-DNA position 4183, A replaced by G.
Protein change: p.Ile1395Val; replaces isoleucine 1395 with valine.
Molecular consequence: missense variant.
Genome position (GRCh38, 1-based): chr15:45,095,493, T>C on the plus strand (A>G on the coding strand, the complement: DUOX2 is on the minus strand). VCF-style: chr15-45095493-T-C. GRCh37 (hg19) VCF-style: chr15-45387691-T-C.
Other names: c.4183A>G, p.Ile1395Val (NM_014080.5); short protein forms I1395V.
Identifiers: ClinVar variation 2124618 (VCV002124618.2), dbSNP rs1230772843, ClinGen allele CA392251444.
Genomic context (GRCh38, chr15:45,095,493, plus strand): 5'-TCACCTTCTTACACAGCATTTGGCTGCCCAAGGATGACTTGAAGACCAGGTCTTTGAGGA[T>C]GGAGGCAAAGGGGGTGACCCCAATGCCCCCTCCCACCAACACTGACACCTCAAATTTATG-3'
Protein context (NP_001350640.1, residues 1385-1405): GGIGVTPFAS[Ile1395Val]LKDLVFKSSL

ClinVar aggregate classification (germline): Uncertain significance (1 of 4 stars; one submission).

Allele frequency attached by ClinVar (database versions not stated): gnomAD exomes below 0.00001; gnomAD 0.00001; TOPMed 0.00001.
gnomAD v4.1: 6 of 1,614,104 alleles (0.00037%); highest among the groups gnomAD compares: Non-Finnish European, 0.00051%; no homozygotes.

Submission:

Labcorp Genetics (formerly Invitae), Labcorp
Classification: Uncertain significance. Last evaluated: 2025-09-14. Review status: criteria provided, single submitter. Criteria: Invitae Variant Classification Sherloc (09022015). Collection method: clinical testing. Allele origin: germline.
Comment: This sequence change replaces isoleucine, which is neutral and non-polar, with valine, which is neutral and non-polar, at codon 1395 of the DUOX2 protein (p.Ile1395Val). This variant is not present in population databases (gnomAD no frequency). This variant has not been reported in the literature in individuals affected with DUOX2-related conditions. ClinVar contains an entry for this variant (Variation ID: 2124618). Invitae Evidence Modeling of protein sequence and biophysical properties (such as structural, functional, and spatial information, amino acid conservation, physicochemical variation, residue mobility, and thermodynamic stability) indicates that this missense variant is expected to disrupt DUOX2 protein function with a positive predictive value of 80%. In summary, the available evidence is currently insufficient to determine the role of this variant in disease. Therefore, it has been classified as a Variant of Uncertain Significance.